The following is an entry in ClinVar:

NM_001040142.2(SCN2A):c.2635G>A (p.Gly879Arg)

Gene: SCN2A (sodium voltage-gated channel alpha subunit 2; plus strand). Cytogenetic location: 2q24.3.
Variant type: single nucleotide variant.
Coding change: c.2635G>A on transcript NM_001040142.2 (MANE Select); coding-DNA position 2635, G replaced by A.
Protein change: p.Gly879Arg; replaces glycine 879 with arginine.
Molecular consequence: missense variant.
Genome position (GRCh38, 1-based): chr2:165,344,627, G>A. VCF-style: chr2-165344627-G-A. GRCh37 (hg19) VCF-style: chr2-166201137-G-A.
Other names: c.2635G>A, p.Gly879Arg (NM_001040143.2, NM_001371246.1, NM_001371247.1 and 1 more transcripts); short protein forms G879R.
Identifiers: ClinVar variation 206969 (VCV000206969.7), dbSNP rs796053115, ClinGen allele CA317877.
Genomic context (GRCh38, chr2:165,344,627, plus strand): 5'-AAGTTGGCAAAATCTTGGCCAACTCTAAATATGCTAATTAAGATCATTGGCAATTCTGTG[G>A]GGGCTCTAGGAAACCTCACCTTGGTATTGGCCATCATCGTCTTCATTTTTGCTGTGGTCG-3'
Protein context (NP_001035232.1, residues 869-889): MLIKIIGNSV[Gly879Arg]ALGNLTLVLA

ClinVar aggregate classification (germline): Conflicting classifications of pathogenicity. Review status: criteria provided, conflicting classifications (1 of 4 stars). 2 submissions from 2 submitters: Pathogenic (1); Uncertain significance (1). Last evaluated 2018-05-21.

Conditions:
Complex neurodevelopmental disorder. Identifiers: Orphanet 528084, MedGen C5568766, MONDO:0100038.
Developmental and epileptic encephalopathy, 11 (DEE11). Also called: Early infantile epileptic encephalopathy 11. Identifiers: Orphanet 1934, MedGen C3150987, MONDO:0013388, OMIM 613721.

Submissions (3):

Blueprint Genetics
Classification: Uncertain significance. Last evaluated: 2018-05-21. Review status: criteria provided, single submitter. Criteria: ACMG Guidelines, 2015. Collection method: clinical testing. Allele origin: germline.

Institute of Human Genetics Munich, TUM University Hospital
Classification: Pathogenic for Developmental and epileptic encephalopathy, 11. Last evaluated: 2017-12-11. Review status: criteria provided, single submitter. Criteria: Classification criteria August 2017. Collection method: clinical testing. Allele origin: de novo. Inheritance: Autosomal dominant inheritance. Affected: yes. Observed: 1 heterozygote.

Channelopathy-Associated Epilepsy Research Center
No classification provided (evidence only). Condition: Complex neurodevelopmental disorder. Review status: no classification provided. Collection method: literature only. Allele origin: not applicable. Functional consequence: Normal peak current, Mild hyperpolarizing shift of voltage dependence of activation, Normal slope of activation, Normal voltage dependence of fast inactivation, Normal slope of fast inactivation, Normal rate of recovery from fast inactivation, Acceleration of recovery from slow inactivation, Mild slowing of fast inactivation, Increase in ramp current, Mild increase in persistent current. Not counted in ClinVar's aggregate classification.
ClinVar note: "not provided" was previously submitted as the classification for the variant. However, the classification appeared to be based only on an observation of functional data so it was converted to no classification on 2025-07-30.

Literature cited by the submitters: PubMed 37578743 (cited by Channelopathy-Associated Epilepsy Research Center).